The following is an entry in ClinVar:

ClinVar aggregate classification (germline): Pathogenic/Likely pathogenic. Review status: criteria provided, multiple submitters, no conflicts (2 of 4 stars). 7 submissions from 7 submitters: Pathogenic (4); Likely pathogenic (2). 1 of the submissions does not count toward it. Last evaluated 2023-10-14.

Conditions:
Charlevoix-Saguenay spastic ataxia (SACS). Also called: AUTOSOMAL RECESSIVE SPASTIC ATAXIA OF CHARLEVOIX-SAGUENAY; Spastic ataxia of Charlevoix-Saguenay; SPASTIC ATAXIA 6, AUTOSOMAL RECESSIVE. Identifiers: Orphanet 98, MedGen C1849140, MONDO:0010041, OMIM 270550.
Spastic paraplegia. Identifiers: MedGen C0037772, HP:0001258.

Allele frequency attached by ClinVar (database versions not stated): gnomAD exomes below 0.00001.

Submissions (7):

Baylor Genetics
Classification: Pathogenic for Charlevoix-Saguenay spastic ataxia. Last evaluated: 2023-10-14. Review status: criteria provided, single submitter. Criteria: ACMG Guidelines, 2015. Collection method: clinical testing. Allele origin: unknown.

Labcorp Genetics (formerly Invitae), Labcorp
Classification: Pathogenic for Spastic paraplegia. Last evaluated: 2023-03-24. Review status: criteria provided, single submitter. Criteria: Invitae Variant Classification Sherloc (09022015). Collection method: clinical testing. Allele origin: germline.
Comment: This sequence change creates a premature translational stop signal (p.Thr2388Argfs*10) in the SACS gene. While this is not anticipated to result in nonsense mediated decay, it is expected to disrupt the last 2192 amino acid(s) of the SACS protein. This variant is not present in population databases (gnomAD no frequency). This premature translational stop signal has been observed in individual(s) with hereditary spastic paraplegia (PMID: 29538656). ClinVar contains an entry for this variant (Variation ID: 448217). This variant disrupts a region of the SACS protein in which other variant(s) (p.Tyr4538*) have been determined to be pathogenic (PMID: 15156359, 21507954; Invitae). This suggests that this is a clinically significant region of the protein, and that variants that disrupt it are likely to be disease-causing. For these reasons, this variant has been classified as Pathogenic.

PROSPAX: an integrated multimodal progression  chart in spastic ataxias, Center for Neurology; Hertie-Institute for Clinical Brain Research
Classification: Pathogenic for Charlevoix-Saguenay spastic ataxia. Last evaluated: 2022-01-01. Review status: criteria provided, single submitter. Criteria: ACMG Guidelines, 2015. Collection method: research. Allele origin: germline. Affected: yes. Observed: 1 variant allele, 1 homozygote.

Genome-Nilou Lab
Classification: Likely pathogenic for Charlevoix-Saguenay spastic ataxia. Last evaluated: 2021-09-05. Review status: criteria provided, single submitter. Criteria: ACMG Guidelines, 2015. Collection method: clinical testing. Allele origin: germline. Affected: no.

Institute of Medical Genetics and Applied Genomics, University Hospital Tübingen
Classification: Pathogenic. Last evaluated: 2020-10-23. Review status: criteria provided, single submitter. Criteria: ACMG Guidelines, 2015. Collection method: clinical testing. Allele origin: germline. Inheritance: Autosomal recessive inheritance. Affected: yes.

Athena Diagnostics
Classification: Likely pathogenic. Last evaluated: 2016-12-09. Review status: criteria provided, single submitter. Criteria: Athena Diagnostics Criteria. Collection method: clinical testing. Allele origin: germline.

Natera, Inc.
Classification: Likely pathogenic for Charlevoix-Saguenay type spastic ataxia. Last evaluated: 2020-07-09. Review status: no assertion criteria provided. Collection method: clinical testing. Allele origin: germline. Not counted in ClinVar's aggregate classification.

Literature cited by the submitters: PubMed 29538656 (cited by Labcorp Genetics (formerly Invitae), Labcorp); PubMed 15156359 (cited by Labcorp Genetics (formerly Invitae), Labcorp); PubMed 21507954 (cited by Labcorp Genetics (formerly Invitae), Labcorp).

NM_014363.6(SACS):c.7162_7163del (p.Thr2388fs)

Gene: SACS (sacsin molecular chaperone; minus strand). Cytogenetic location: 13q12.12.
Variant type: Deletion.
Coding change: c.7162_7163del on transcript NM_014363.6 (MANE Select); coding-DNA positions 7162 to 7163, 2 bases deleted (AC; older notation c.7162_7163delAC).
Protein change: p.Thr2388fs; shifts the reading frame from threonine 2388.
Molecular consequence: frameshift variant.
Genome position (GRCh38, 1-based): chr13:23,336,713-23,336,714, GT deleted on the plus strand (AC on the coding strand, the reverse complement: SACS is on the minus strand). VCF-style (leftmost placement, unchanged base first): chr13-23336712-GGT-G. GRCh37 (hg19) VCF-style: chr13-23910851-GGT-G.
Other names: c.6721_6722del, p.Thr2241fs (NM_001278055.2); short protein forms T2241fs, T2388fs.
Identifiers: ClinVar variation 448217 (VCV000448217.15), dbSNP rs1555251539, ClinGen allele CA658658232.